The following is an entry in ClinVar:

NM_017819.4(TRMT10C):c.904A>G (p.Arg302Gly)

Gene: TRMT10C (tRNA methyltransferase 10C, mitochondrial RNase P subunit; plus strand). Cytogenetic location: 3q12.3.
Variant type: single nucleotide variant.
Coding change: c.904A>G on transcript NM_017819.4 (MANE Select); coding-DNA position 904, A replaced by G.
Protein change: p.Arg302Gly; replaces arginine 302 with glycine.
Molecular consequence: missense variant.
Genome position (GRCh38, 1-based): chr3:101,565,685, A>G. VCF-style: chr3-101565685-A-G. GRCh37 (hg19) VCF-style: chr3-101284529-A-G.
Other names: short protein forms R302G.
Identifiers: ClinVar variation 3696106 (VCV003696106.2).

ClinVar aggregate classification (germline): Uncertain significance (1 of 4 stars; one submission).

Submission:

Labcorp Genetics (formerly Invitae), Labcorp
Classification: Uncertain significance. Last evaluated: 2024-05-16. Review status: criteria provided, single submitter. Criteria: Invitae Variant Classification Sherloc (09022015). Collection method: clinical testing. Allele origin: germline.
Comment: This sequence change replaces arginine, which is basic and polar, with glycine, which is neutral and non-polar, at codon 302 of the TRMT10C protein (p.Arg302Gly). This variant is present in population databases (no rsID available, gnomAD 0.003%). This variant has not been reported in the literature in individuals affected with TRMT10C-related conditions. Advanced modeling of protein sequence and biophysical properties (such as structural, functional, and spatial information, amino acid conservation, physicochemical variation, residue mobility, and thermodynamic stability) performed at Invitae indicates that this missense variant is not expected to disrupt TRMT10C protein function with a negative predictive value of 80%. In summary, the available evidence is currently insufficient to determine the role of this variant in disease. Therefore, it has been classified as a Variant of Uncertain Significance.